The following is an entry in ClinVar:

NM_000540.3(RYR1):c.7614+16C>T

Gene: RYR1 (ryanodine receptor 1; plus strand). Cytogenetic location: 19q13.2.
Variant type: single nucleotide variant.
Coding change: c.7614+16C>T on transcript NM_000540.3 (MANE Select); 16 bases into the intron after coding-DNA position 7614, C replaced by T.
Molecular consequence: intron variant.
Genome position (GRCh38, 1-based): chr19:38,501,006, C>T. VCF-style: chr19-38501006-C-T. GRCh37 (hg19) VCF-style: chr19-38991646-C-T.
Other names: c.7614+16C>T (NM_001042723.2).
Identifiers: ClinVar variation 508488 (VCV000508488.10), dbSNP rs557965577, ClinGen allele CA069818.
Genomic context (GRCh38, chr19:38,501,006, plus strand): 5'-GTGGGGTTCCTGCCCGACATGAGGGCAGCCGCCTCGCTGGACACGGTGAGCAACCCTGCC[C>T]AGCCTGGCCACCCTCCCCACTTCCACAGAGGGACAGGAGATGGGTCACGGTAGAGCAGCA-3'

ClinVar aggregate classification (germline): Benign/Likely benign. Review status: criteria provided, multiple submitters, no conflicts (2 of 4 stars). 3 submissions from 3 submitters: Benign (1); Likely benign (2). Last evaluated 2026-01-26.

Conditions:
RYR1-related disorder. Also called: RYR1-related condition; RYR1-related disorders. Identifiers: MedGen CN239331.

Allele frequency attached by ClinVar (database versions not stated): gnomAD 0.00006; 1000 Genomes Project 30x 0.00172; 1000 Genomes Project 0.00200.
gnomAD v4.1: 716 of 1,611,052 alleles (0.044%); highest among the groups gnomAD compares: South Asian, 0.75%; 8 homozygotes.

Submissions (3):

Labcorp Genetics (formerly Invitae), Labcorp
Classification: Benign for RYR1-related disorder. Last evaluated: 2026-01-26. Review status: criteria provided, single submitter. Criteria: Invitae Variant Classification Sherloc (09022015). Collection method: clinical testing. Allele origin: germline.

Blueprint Genetics
Classification: Likely benign. Last evaluated: 2024-10-07. Review status: criteria provided, single submitter. Criteria: ACMG Guidelines, 2015. Collection method: clinical testing. Allele origin: germline.

GeneDx
Classification: Likely benign. Last evaluated: 2017-03-30. Review status: criteria provided, single submitter. Criteria: GeneDx Variant Classification (06012015). Collection method: clinical testing. Allele origin: germline. Affected: yes.
Comment: This variant is considered likely benign or benign based on one or more of the following criteria: it is a conservative change, it occurs at a poorly conserved position in the protein, it is predicted to be benign by multiple in silico algorithms, and/or has population frequency not consistent with disease.